The following is an entry in ClinVar:

ClinVar aggregate classification (germline): Uncertain significance (1 of 4 stars; one submission).

Submission:

GeneDx
Classification: Uncertain significance. Last evaluated: 2022-01-18. Review status: criteria provided, single submitter. Criteria: GeneDx Variant Classification Process June 2021. Collection method: clinical testing. Allele origin: germline. Affected: yes.
Comment: Not observed at significant frequency in large population cohorts (gnomAD); In silico analysis supports that this missense variant has a deleterious effect on protein structure/function; Has not been previously published as pathogenic or benign to our knowledge

NM_182925.5(FLT4):c.2515G>A (p.Glu839Lys)

Genes: FLT4 (fms related receptor tyrosine kinase 4; minus strand), LOC126807632 (CDK7 strongly-dependent group 2 enhancer GRCh37_chr5:180046831-180048030; plus strand). Cytogenetic location: 5q35.3.
Variant type: single nucleotide variant.
Coding change: c.2515G>A on transcript NM_182925.5 (MANE Select); coding-DNA position 2515, G replaced by A.
Protein change: p.Glu839Lys; replaces glutamic acid 839 with lysine.
Molecular consequence: missense variant.
Genome position (GRCh38, 1-based): chr5:180,620,200, C>T on the plus strand (G>A on the coding strand, the complement: FLT4 is on the minus strand). VCF-style: chr5-180620200-C-T. GRCh37 (hg19) VCF-style: chr5-180047200-C-T.
Other names: c.2515G>A, p.Glu839Lys (NM_001354989.2, NM_002020.5); short protein forms E839K.
Identifiers: ClinVar variation 1698170 (VCV001698170.2), dbSNP rs2127810668, ClinGen allele CA362501959.